The following is an entry in ClinVar:

NM_001099274.3(TINF2):c.163G>A (p.Glu55Lys)

Genes: TINF2 (TERF1 interacting nuclear factor 2; minus strand), LOC130055403 (ATAC-STARR-seq lymphoblastoid active region 8199; plus strand). Cytogenetic location: 14q12.
Variant type: single nucleotide variant.
Coding change: c.163G>A on transcript NM_001099274.3 (MANE Select); coding-DNA position 163, G replaced by A.
Protein change: p.Glu55Lys; replaces glutamic acid 55 with lysine.
Molecular consequence: missense variant.
Genome position (GRCh38, 1-based): chr14:24,242,170, C>T on the plus strand (G>A on the coding strand, the complement: TINF2 is on the minus strand). VCF-style: chr14-24242170-C-T. GRCh37 (hg19) VCF-style: chr14-24711376-C-T.
Other names: c.163G>A, p.Glu55Lys (NM_001363668.2, NM_012461.3); short protein forms E55K.
Identifiers: ClinVar variation 964587 (VCV000964587.10), dbSNP rs757133062, ClinGen allele CA7130748.
Genomic context (GRCh38, chr14:24,242,170, plus strand): 5'-TTCCCCTTCCAGGTCCTACTTGCTCCAATACCTTGGCCTTTAGGCCCATACAAAGGCGTT[C>T]GTGGTGCCGGTAGCGAACCAAGCCAGGGGCAACAGCGCGCAGAGATCGCAGAAACTCCAG-3'
Protein context (NP_001092744.1, residues 45-65): APGLVRYRHH[Glu55Lys]RLCMGLKAKV

ClinVar aggregate classification (germline): Uncertain significance (1 of 4 stars; one submission).

Conditions:
Dyskeratosis congenita. Identifiers: Orphanet 1775, MedGen C0265965, MONDO:0015780.

Allele frequency attached by ClinVar (database versions not stated): gnomAD exomes below 0.00001; ExAC 0.00001.

Submission:

Labcorp Genetics (formerly Invitae), Labcorp
Classification: Uncertain significance for Dyskeratosis congenita. Last evaluated: 2023-07-10. Review status: criteria provided, single submitter. Criteria: Invitae Variant Classification Sherloc (09022015). Collection method: clinical testing. Allele origin: germline.
Comment: In summary, the available evidence is currently insufficient to determine the role of this variant in disease. Therefore, it has been classified as a Variant of Uncertain Significance. An algorithm developed to predict the effect of missense changes on protein structure and function (PolyPhen-2) suggests that this variant is likely to be disruptive. ClinVar contains an entry for this variant (Variation ID: 964587). This variant has not been reported in the literature in individuals affected with TINF2-related conditions. This variant is present in population databases (rs757133062, gnomAD 0.0009%). This sequence change replaces glutamic acid, which is acidic and polar, with lysine, which is basic and polar, at codon 55 of the TINF2 protein (p.Glu55Lys).